The following is an entry in ClinVar:

ClinVar aggregate classification (germline): Pathogenic (1 of 4 stars; one submission).

Conditions:
Autosomal recessive nonsyndromic hearing loss 28. Identifiers: Orphanet 90636, MedGen C1853276, MONDO:0012355, OMIM 609823.

Submission:

Institute of Rare Diseases, West China Hospital, Sichuan University
Classification: Pathogenic for Autosomal recessive nonsyndromic hearing loss 28. Last evaluated: 2025-01-09. Review status: criteria provided, single submitter. Criteria: ClinGen HL ACMG Specifications v1. Collection method: research. Allele origin: germline. Affected: yes.
Comment: PVS1;PM3;PM2_Supporting

NM_001039141.3(TRIOBP):c.2986dup (p.Tyr996fs)

Gene: TRIOBP (TRIO and F-actin binding protein; plus strand). Cytogenetic location: 22q13.1.
Variant type: Duplication.
Coding change: c.2986dup on transcript NM_001039141.3 (MANE Select); coding-DNA position 2986, one base duplicated (T; older notation c.2986dupT).
Protein change: p.Tyr996fs; shifts the reading frame from tyrosine 996.
Molecular consequence: frameshift variant.
Genome position (GRCh38, 1-based): chr22:37,725,542, T duplicated. VCF-style (leftmost placement, unchanged base first): chr22-37725541-G-GT. GRCh37 (hg19) VCF-style: chr22-38121548-G-GT.
Other names: short protein forms Y996fs.
Identifiers: ClinVar variation 3601951 (VCV003601951.1).